The following is an entry in ClinVar:

NM_014797.3(ZBTB24):c.544GAA[1] (p.Glu183del)

Gene: ZBTB24 (zinc finger and BTB domain containing 24; minus strand). Cytogenetic location: 6q21.
Variant type: Microsatellite.
Coding change: c.544GAA[1] on transcript NM_014797.3 (MANE Select); one copy of the 3-base unit GAA starting at c.544; the reference has two copies in a row; one copy, 3 bases deleted.
Protein change: p.Glu183del; deletes glutamic acid 183.
Molecular consequence: inframe deletion.
Genome position (GRCh38, 1-based): chr6:109,481,478-109,481,480, TTC deleted on the plus strand (GAA on the coding strand, the reverse complement: ZBTB24 is on the minus strand); deleting any 3 consecutive bases within chr6:109,481,478-109,481,483 gives the same sequence; the position shown is the placement nearest the transcript's 3' end. VCF-style (leftmost placement, unchanged base first): chr6-109481477-TTTC-T. GRCh37 (hg19) VCF-style: chr6-109802680-TTTC-T.
Other names: c.544GAA[1], p.Glu183del (NM_001164313.2); short protein forms E183del.
Identifiers: ClinVar variation 1368078 (VCV001368078.6), dbSNP rs2115366899, ClinGen allele CA2580617320.

ClinVar aggregate classification (germline): Uncertain significance (1 of 4 stars; one submission).

Conditions:
Immunodeficiency-centromeric instability-facial anomalies syndrome 2 (ICF2). Identifiers: Orphanet 2268, MedGen C3279748, MONDO:0013553, OMIM 614069.

Submission:

Labcorp Genetics (formerly Invitae), Labcorp
Classification: Uncertain significance for Immunodeficiency-centromeric instability-facial anomalies syndrome 2. Last evaluated: 2024-10-16. Review status: criteria provided, single submitter. Criteria: Invitae Variant Classification Sherloc (09022015). Collection method: clinical testing. Allele origin: germline.
Comment: This variant, c.547_549del, results in the deletion of 1 amino acid(s) of the ZBTB24 protein (p.Glu183del), but otherwise preserves the integrity of the reading frame. This variant is not present in population databases (gnomAD no frequency). This variant has not been reported in the literature in individuals affected with ZBTB24-related conditions. Experimental studies and prediction algorithms are not available or were not evaluated, and the functional significance of this variant is currently unknown. In summary, the available evidence is currently insufficient to determine the role of this variant in disease. Therefore, it has been classified as a Variant of Uncertain Significance.